The following is an entry in ClinVar:

ClinVar aggregate classification (germline): Uncertain significance (1 of 4 stars; one submission).

Submission:

GeneDx
Classification: Uncertain significance. Last evaluated: 2019-10-28. Review status: criteria provided, single submitter. Criteria: GeneDx Variant Classification Process June 2021. Collection method: clinical testing. Allele origin: germline. Affected: yes.
Comment: Not observed in large population cohorts (Lek et al., 2016); In silico analysis, which includes protein predictors and evolutionary conservation, supports a deleterious effect; Has not been previously published as pathogenic or benign to our knowledge

NM_022124.6(CDH23):c.1027G>T (p.Asp343Tyr)

Gene: CDH23 (cadherin related 23; plus strand). Cytogenetic location: 10q22.1.
Variant type: single nucleotide variant.
Coding change: c.1027G>T on transcript NM_022124.6 (MANE Select); coding-DNA position 1027, G replaced by T.
Protein change: p.Asp343Tyr; replaces aspartic acid 343 with tyrosine.
Molecular consequence: missense variant.
Genome position (GRCh38, 1-based): chr10:71,617,286, G>T. VCF-style: chr10-71617286-G-T. GRCh37 (hg19) VCF-style: chr10-73377043-G-T.
Other names: c.1027G>T, p.Asp343Tyr (NM_001171930.2, NM_001171931.2, NM_001171932.2 and 1 more transcripts); short protein forms D343Y.
Identifiers: ClinVar variation 1309751 (VCV001309751.2), dbSNP rs2132519909, ClinGen allele CA377122312.
Genomic context (GRCh38, chr10:71,617,286, plus strand): 5'-CGCACCCCATCTGACGCTACAGTCACCACGACCTTCAATATCCTGGTTATTGACATCAAT[G>T]ACAATGCCCCGGAGTTCAACAGCTCCGAGTACAGCGTGGCCATCACTGAGCTGGCACAGG-3'
Protein context (NP_071407.4, residues 333-353): TFNILVIDIN[Asp343Tyr]NAPEFNSSEY